The following is an entry in ClinVar:

ClinVar aggregate classification (germline): Likely benign (1 of 4 stars; one submission).

Conditions:
PTPRU-related disorder. Also called: PTPRU-related condition.

gnomAD v4.1: 97 of 1,614,130 alleles (0.006%); highest among the groups gnomAD compares: Admixed American, 0.097%; 1 homozygote.

Submission:

PreventionGenetics, part of Exact Sciences
Classification: Likely benign for PTPRU-related condition. Last evaluated: 2025-08-27. Review status: criteria provided, single submitter. Criteria: ACMG Guidelines, 2015. Collection method: clinical testing. Allele origin: germline.
Comment: This variant is classified as likely benign based on ACMG/AMP sequence variant interpretation guidelines (Richards et al. 2015 PMID: 25741868, with internal and published modifications).

NM_133178.4(PTPRU):c.4159C>T (p.Leu1387=)

Genes: PTPRU (protein tyrosine phosphatase receptor type U; plus strand), LOC122056818 (Sharpr-MPRA regulatory region 8387; plus strand). Cytogenetic location: 1p35.3.
Variant type: single nucleotide variant.
Coding change: c.4159C>T on transcript NM_133178.4 (MANE Select); coding-DNA position 4159, C replaced by T.
Protein change: p.Leu1387=; no amino-acid change (leucine 1387 retained).
Molecular consequence: synonymous variant.
Genome position (GRCh38, 1-based): chr1:29,325,237, C>T. VCF-style: chr1-29325237-C-T. GRCh37 (hg19) VCF-style: chr1-29651749-C-T.
Other names: c.4150C>T, p.Leu1384= (NM_001195001.2); c.4189C>T, p.Leu1397= (NM_005704.5); c.4171C>T, p.Leu1391= (NM_133177.4).
Identifiers: ClinVar variation 4981244 (VCV004981244.1).